The following is an entry in ClinVar:

NM_005219.5(DIAPH1):c.3001A>G (p.Ile1001Val)

Gene: DIAPH1 (diaphanous related formin 1; minus strand). Cytogenetic location: 5q31.3.
Variant type: single nucleotide variant.
Coding change: c.3001A>G on transcript NM_005219.5 (MANE Select); coding-DNA position 3001, A replaced by G.
Protein change: p.Ile1001Val; replaces isoleucine 1001 with valine.
Molecular consequence: missense variant.
Genome position (GRCh38, 1-based): chr5:141,528,719, T>C on the plus strand (A>G on the coding strand, the complement: DIAPH1 is on the minus strand). VCF-style: chr5-141528719-T-C. GRCh37 (hg19) VCF-style: chr5-140908286-T-C.
Other names: c.2974A>G, p.Ile992Val (NM_001079812.3); c.3001A>G, p.Ile1001Val (NM_001314007.2); short protein forms I1001V, I992V.
Identifiers: ClinVar variation 1715943 (VCV001715943.6), dbSNP rs2099887757, ClinGen allele CA361583817.
Genomic context (GRCh38, chr5:141,528,719, plus strand): 5'-TACAGCCTTCCTTGTGTTGTCCTGCCCTACCTCTTTGGCTCACCTTACAGAGGAAGCTGA[T>C]ATTGAAGCCAAAAGCACCAGCATTTCTGGAGCCAGCATTCATGTAATTTCCAACAAGCAA-3'
Protein context (NP_005210.3, residues 991-1011): SRNAGAFGFN[Ile1001Val]SFLCKLRDTK

ClinVar aggregate classification (germline): Uncertain significance (1 of 4 stars; one submission).

Conditions:
Autosomal dominant nonsyndromic hearing loss 1. Also called: DEAFNESS, AUTOSOMAL DOMINANT 1, WITH OR WITHOUT THROMBOCYTOPENIA; KONIGSMARK SYNDROME. Identifiers: Orphanet 90635, MedGen C1852282, MONDO:0007424, OMIM 124900.
Progressive microcephaly-seizures-cortical blindness-developmental delay syndrome. Also called: Seizures, cortical blindness, and microcephaly syndrome. Identifiers: Orphanet 477814, MedGen C5567650, MONDO:0014714, OMIM 616632.

Submission:

Labcorp Genetics (formerly Invitae), Labcorp
Classification: Uncertain significance for Progressive microcephaly-seizures-cortical blindness-developmental delay syndrome; Autosomal dominant nonsyndromic hearing loss 1. Last evaluated: 2022-08-09. Review status: criteria provided, single submitter. Criteria: Invitae Variant Classification Sherloc (09022015). Collection method: clinical testing. Allele origin: germline.
Comment: In summary, the available evidence is currently insufficient to determine the role of this variant in disease. Therefore, it has been classified as a Variant of Uncertain Significance. Algorithms developed to predict the effect of missense changes on protein structure and function are either unavailable or do not agree on the potential impact of this missense change (SIFT: "Deleterious"; PolyPhen-2: "Possibly Damaging"; Align-GVGD: "Class C0"). This variant has not been reported in the literature in individuals affected with DIAPH1-related conditions. This variant is not present in population databases (gnomAD no frequency). This sequence change replaces isoleucine, which is neutral and non-polar, with valine, which is neutral and non-polar, at codon 1001 of the DIAPH1 protein (p.Ile1001Val).